The following is an entry in ClinVar:

ClinVar aggregate classification (germline): Uncertain significance. Review status: criteria provided, multiple submitters, no conflicts (2 of 4 stars). 2 submissions from 2 submitters: Uncertain significance (2). Last evaluated 2026-01-25.

Conditions:
Familial cancer of breast. Also called: hereditary breast carcinoma; Hereditary breast cancer; BREAST CANCER, FAMILIAL. Identifiers: Orphanet 227535, MedGen C0346153, MONDO:0016419, OMIM 114480. Disease mechanism: loss of function.
Hereditary cancer-predisposing syndrome. Also called: Tumor predisposition; Hereditary neoplastic syndrome; Neoplastic Syndromes, Hereditary; Hereditary Cancer Syndrome. Identifiers: Orphanet 140162, MedGen C0027672, MeSH D009386, MONDO:0015356.

Allele frequency attached by ClinVar (database versions not stated): gnomAD 0.00001; ExAC 0.00002.
gnomAD v4.1: 3 of 1,592,004 alleles (0.00019%); highest among the groups gnomAD compares: Non-Finnish European, 0.00026%; no homozygotes.

Submissions (2):

Labcorp Genetics (formerly Invitae), Labcorp
Classification: Uncertain significance for Familial cancer of breast. Last evaluated: 2026-01-25. Review status: criteria provided, single submitter. Criteria: Invitae Variant Classification Sherloc (09022015). Collection method: clinical testing. Allele origin: germline.
Comment: This sequence change replaces lysine, which is basic and polar, with asparagine, which is neutral and polar, at codon 494 of the CHEK2 protein (p.Lys494Asn). This variant is present in population databases (rs767043399, gnomAD 0.002%). This variant has not been reported in the literature in individuals affected with CHEK2-related conditions. ClinVar contains an entry for this variant (Variation ID: 819340). An algorithm developed to predict the effect of missense changes on protein structure and function (PolyPhen-2) suggests that this variant is likely to be tolerated. In summary, the available evidence is currently insufficient to determine the role of this variant in disease. Therefore, it has been classified as a Variant of Uncertain Significance.

Ambry Genetics
Classification: Uncertain significance for Hereditary cancer-predisposing syndrome. Last evaluated: 2023-10-04. Review status: criteria provided, single submitter. Criteria: Ambry Variant Classification Scheme 2023. Collection method: clinical testing. Allele origin: germline.
Comment: The p.K494N variant (also known as c.1482G>T), located in coding exon 13 of the CHEK2 gene, results from a G to T substitution at nucleotide position 1482. The lysine at codon 494 is replaced by asparagine, an amino acid with similar properties. This alteration was reported as functional in a study assessing CHEK2-complementation through quantification of KAP1 phosphorylation and CHK2 autophosphorylation in human RPE1-CHEK2-knockout cells (Stolarova L et al. Clin Cancer Res, 2023 Aug;29:3037-3050). This amino acid position is not well conserved in available vertebrate species. In addition, this alteration is predicted to be tolerated by in silico analysis. Since supporting evidence is limited at this time, the clinical significance of this alteration remains unclear.

Literature cited by the submitters: PubMed 37449874 (cited by Ambry Genetics).

NM_007194.4(CHEK2):c.1482G>T (p.Lys494Asn)

Gene: CHEK2 (checkpoint kinase 2; minus strand). Cytogenetic location: 22q12.1.
Variant type: single nucleotide variant.
Coding change: c.1482G>T on transcript NM_007194.4 (MANE Select); coding-DNA position 1482, G replaced by T.
Protein change: p.Lys494Asn; replaces lysine 494 with asparagine.
Molecular consequence: missense variant.
Genome position (GRCh38, 1-based): chr22:28,689,195, C>A on the plus strand (G>T on the coding strand, the complement: CHEK2 is on the minus strand). VCF-style: chr22-28689195-C-A. GRCh37 (hg19) VCF-style: chr22-29085183-C-A.
Other names: c.1611G>T, p.Lys537Asn (NM_001005735.3); c.819G>T, p.Lys273Asn (NM_001257387.3); c.1281G>T, p.Lys427Asn (NM_001349956.3); c.1395G>T, p.Lys465Asn (NM_145862.3); short protein forms K273N, K465N, K494N, K537N, K427N.
Identifiers: ClinVar variation 819340 (VCV000819340.13), dbSNP rs767043399, ClinGen allele CA10167626.